The following is an entry in ClinVar:

NM_018446.4(GLT8D1):c.493AAG[1] (p.Lys166del)

Gene: GLT8D1 (glycosyltransferase 8 domain containing 1; minus strand). Cytogenetic location: 3p21.1.
Variant type: Microsatellite.
Coding change: c.493AAG[1] on transcript NM_018446.4 (MANE Select); one copy of the 3-base unit AAG starting at c.493; the reference has two copies in a row; one copy, 3 bases deleted.
Protein change: p.Lys166del; deletes lysine 166.
Molecular consequence: inframe deletion.
Genome position (GRCh38, 1-based): chr3:52,696,268-52,696,270, CTT deleted on the plus strand (AAG on the coding strand, the reverse complement: GLT8D1 is on the minus strand); deleting any 3 consecutive bases within chr3:52,696,268-52,696,273 gives the same sequence; the position shown is the placement nearest the transcript's 3' end. VCF-style (leftmost placement, unchanged base first): chr3-52696267-CCTT-C. GRCh37 (hg19) VCF-style: chr3-52730283-CCTT-C.
Other names: c.493AAG[1], p.Lys166del (NM_001010983.3, NM_001278280.2, NM_001278281.2 and 1 more transcripts); short protein forms K166del.
Identifiers: ClinVar variation 4874511 (VCV004874511.2).

ClinVar aggregate classification (germline): Uncertain significance (1 of 4 stars; one submission).

Submission:

CeGaT Center for Human Genetics Tuebingen
Classification: Uncertain significance. Last evaluated: 2026-04-01. Review status: criteria provided, single submitter. Criteria: CeGaT Center For Human Genetics Tuebingen Variant Classification Criteria Version 2. Collection method: clinical testing. Allele origin: germline. Affected: yes. Observed: 1 variant allele.
Comment: GLT8D1: PM4:Supporting